The following is an entry in ClinVar:

ClinVar aggregate classification (germline): Likely benign. Review status: criteria provided, multiple submitters, no conflicts (2 of 4 stars). 3 submissions from 3 submitters: Likely benign (2). 1 of the submissions does not count toward it. Last evaluated 2024-09-05.

Conditions:
Senior-Loken syndrome 7 (SLSN7). Identifiers: Orphanet 3156, MedGen C3150877, MONDO:0013326, OMIM 613615.
Bardet-Biedl syndrome 16 (BBS16). Identifiers: Orphanet 110, MedGen C3889474, MONDO:0014444, OMIM 615993.
SDCCAG8-related disorder. Also called: SDCCAG8-Related Disorders; SDCCAG8-related condition.

Allele frequency attached by ClinVar (database versions not stated): gnomAD 0.00001; gnomAD exomes 0.00001 and 0.00004; TOPMed 0.00002; ExAC 0.00009.
gnomAD v4.1: 15 of 1,581,674 alleles (0.00095%); highest among the groups gnomAD compares: Non-Finnish European, 0.0013%; no homozygotes.

Submissions (3):

Blueprint Genetics
Classification: Likely benign. Last evaluated: 2024-09-05. Review status: criteria provided, single submitter. Criteria: ACMG Guidelines, 2015. Collection method: clinical testing. Allele origin: germline.

Labcorp Genetics (formerly Invitae), Labcorp
Classification: Likely benign for Bardet-Biedl syndrome 16; Senior-Loken syndrome 7. Last evaluated: 2023-11-17. Review status: criteria provided, single submitter. Criteria: Invitae Variant Classification Sherloc (09022015). Collection method: clinical testing. Allele origin: germline.

PreventionGenetics, part of Exact Sciences
Classification: Likely benign for SDCCAG8-related condition. Last evaluated: 2021-12-16. Review status: no assertion criteria provided. Collection method: clinical testing. Allele origin: germline. Not counted in ClinVar's aggregate classification.
Comment: This variant is classified as likely benign based on ACMG/AMP sequence variant interpretation guidelines (Richards et al. 2015 PMID: 25741868, with internal and published modifications).

NM_006642.5(SDCCAG8):c.306+8T>C

Gene: SDCCAG8 (SHH signaling and ciliogenesis regulator SDCCAG8; plus strand). Cytogenetic location: 1q43.
Variant type: single nucleotide variant.
Coding change: c.306+8T>C on transcript NM_006642.5 (MANE Select); 8 bases into the intron after coding-DNA position 306, T replaced by C.
Molecular consequence: intron variant.
Genome position (GRCh38, 1-based): chr1:243,271,071, T>C. VCF-style: chr1-243271071-T-C. GRCh37 (hg19) VCF-style: chr1-243434373-T-C.
Other names: c.306+8T>C (NM_006642.3, NM_001350248.2); c.12+8T>C (NM_001350249.2); c.-1068+8T>C (NM_001350251.2); c.-807+8T>C (NM_001350246.2); c.-695+8T>C (NM_001350247.2).
Identifiers: ClinVar variation 1566746 (VCV001566746.10), dbSNP rs755109862, ClinGen allele CA1483264.
Genomic context (GRCh38, chr1:243,271,071, plus strand): 5'-CAGATAAGGAAAGTGAAGTATCTCCGTCAAGAAGAAGAAAAATGTCCCCCTTGGTAAGTA[T>C]CAACTTTTCCAAGTTGACAAAGCATTCCTGTGTTTTACTGTATTGTGTTATTTTGTAGTA-3'